The following is an entry in ClinVar:

ClinVar aggregate classification (germline): Pathogenic (1 of 4 stars; one submission).

Submission:

Labcorp Genetics (formerly Invitae), Labcorp
Classification: Pathogenic. Last evaluated: 2022-03-04. Review status: criteria provided, single submitter. Criteria: Invitae Variant Classification Sherloc (09022015). Collection method: clinical testing. Allele origin: germline.
Comment: For these reasons, this variant has been classified as Pathogenic. Algorithms developed to predict the effect of sequence changes on RNA splicing suggest that this variant may create or strengthen a splice site. This variant has not been reported in the literature in individuals affected with LZTR1-related conditions. This variant is not present in population databases (gnomAD no frequency). This sequence change creates a premature translational stop signal (p.Val582Glyfs*10) in the LZTR1 gene. It is expected to result in an absent or disrupted protein product. Loss-of-function variants in LZTR1 are known to be pathogenic (PMID: 24362817, 25335493, 25480913, 25795793, 29469822, 30442762, 30442766, 30481304, 30859559).

Literature cited by the submitters: PubMed 24362817; PubMed 25335493; PubMed 25480913; PubMed 25795793; PubMed 29469822; PubMed 30442762; PubMed 30442766; PubMed 30481304; PubMed 30859559.

NM_006767.4(LZTR1):c.1745del (p.Val582fs)

Gene: LZTR1 (leucine zipper like post translational regulator 1; plus strand). Cytogenetic location: 22q11.21.
Variant type: Deletion.
Coding change: c.1745del on transcript NM_006767.4 (MANE Select); coding-DNA position 1745, one base deleted (T; older notation c.1745delT).
Protein change: p.Val582fs; shifts the reading frame from valine 582.
Molecular consequence: frameshift variant.
Genome position (GRCh38, 1-based): chr22:20,994,687, T deleted. VCF-style (leftmost placement, unchanged base first): chr22-20994686-GT-G. GRCh37 (hg19) VCF-style: chr22-21348975-GT-G.
Other names: short protein forms V582fs.
Identifiers: ClinVar variation 2106672 (VCV002106672.4), dbSNP rs2518621967, ClinGen allele CA2580099222.